The following is an entry in ClinVar:

NM_001166108.2(PALLD):c.204C>G (p.Phe68Leu)

Gene: PALLD (palladin, cytoskeletal associated protein; plus strand). Cytogenetic location: 4q32.3.
Variant type: single nucleotide variant.
Coding change: c.204C>G on transcript NM_001166108.2 (MANE Select); coding-DNA position 204, C replaced by G.
Protein change: p.Phe68Leu; replaces phenylalanine 68 with leucine.
Molecular consequence: missense variant.
Genome position (GRCh38, 1-based): chr4:168,511,708, C>G. VCF-style: chr4-168511708-C-G. GRCh37 (hg19) VCF-style: chr4-169432859-C-G.
Other names: c.204C>G, p.Phe68Leu (NM_016081.4); short protein forms F68L.
Identifiers: ClinVar variation 3413666 (VCV003413666.1).
Genomic context (GRCh38, chr4:168,511,708, plus strand): 5'-AGCCATAGCCGACTCCGAAACAGAAGATTTTGACTCGGAAAAGGAGATCTCGCAGATTTT[C>G]AGTACTTCTCCTGCAAGCCTCTGTGAACATCCTTCCCATAAGGAGACCAAATTGGGTGAA-3'
Protein context (NP_001159580.1, residues 58-78): FDSEKEISQI[Phe68Leu]STSPASLCEH

ClinVar aggregate classification (germline): Uncertain significance (1 of 4 stars; one submission).

Submission:

Ambry Genetics
Classification: Uncertain significance. Last evaluated: 2024-11-15. Review status: criteria provided, single submitter. Criteria: Ambry Variant Classification Scheme 2023. Collection method: clinical testing. Allele origin: germline.
Comment: The p.F68L variant (also known as c.204C>G), located in coding exon 1 of the PALLD gene, results from a C to G substitution at nucleotide position 204. The phenylalanine at codon 68 is replaced by leucine, an amino acid with highly similar properties. This amino acid position is conserved. In addition, this alteration is predicted to be tolerated by in silico analysis. Based on the available evidence, the clinical significance of this variant remains unclear.